The following is an entry in ClinVar:

NM_199242.3(UNC13D):c.2972C>T (p.Pro991Leu)

Gene: UNC13D (unc-13 homolog D; minus strand). Cytogenetic location: 17q25.1.
Variant type: single nucleotide variant.
Coding change: c.2972C>T on transcript NM_199242.3 (MANE Select); coding-DNA position 2972, C replaced by T.
Protein change: p.Pro991Leu; replaces proline 991 with leucine.
Molecular consequence: missense variant.
Genome position (GRCh38, 1-based): chr17:75,828,966, G>A on the plus strand (C>T on the coding strand, the complement: UNC13D is on the minus strand). VCF-style: chr17-75828966-G-A. GRCh37 (hg19) VCF-style: chr17-73825047-G-A.
Other names: short protein forms P991L.
Identifiers: ClinVar variation 1026226 (VCV001026226.6), dbSNP rs145549734, ClinGen allele CA8772321.
Genomic context (GRCh38, chr17:75,828,966, plus strand): 5'-GCCCCCAGCGTGTCGTAGTCCAGCACGGTGAGCAGGAGGCATGCCCCAGCCTTGCGGCAC[G>A]GCTCAGCAGGCACCAGGCTGCGGGGAGAGTCAGGGCTCTGCTGCCAGCCCCAGCACAGCC-3'
Protein context (NP_954712.1, residues 981-1001): ETFEFLVPAE[Pro991Leu]CRKAGACLLL

ClinVar aggregate classification (germline): Uncertain significance (1 of 4 stars; one submission).

Conditions:
Familial hemophagocytic lymphohistiocytosis 3 (FHL3). Also called: UNC13D-Related Familial Hemophagocytic Lymphohistiocytosis (UNC13D-fHLH). Identifiers: Orphanet 540, MedGen C1837174, MONDO:0012146, OMIM 608898.

Allele frequency attached by ClinVar (database versions not stated): ESP Exome Variant Server 0.00008; ExAC 0.00002; gnomAD exomes 0.00002 and 0.00003; gnomAD 0.00003; TOPMed 0.00003.
gnomAD v4.1: 29 of 1,603,894 alleles (0.0018%); highest among the groups gnomAD compares: East Asian, 0.0067%; no homozygotes.

Submission:

Labcorp Genetics (formerly Invitae), Labcorp
Classification: Uncertain significance for Familial hemophagocytic lymphohistiocytosis 3. Last evaluated: 2022-08-23. Review status: criteria provided, single submitter. Criteria: Invitae Variant Classification Sherloc (09022015). Collection method: clinical testing. Allele origin: germline.
Comment: This sequence change replaces proline, which is neutral and non-polar, with leucine, which is neutral and non-polar, at codon 991 of the UNC13D protein (p.Pro991Leu). This variant is present in population databases (rs145549734, gnomAD 0.007%). This variant has not been reported in the literature in individuals affected with UNC13D-related conditions. ClinVar contains an entry for this variant (Variation ID: 1026226). Algorithms developed to predict the effect of missense changes on protein structure and function are either unavailable or do not agree on the potential impact of this missense change (SIFT: "Not Available"; PolyPhen-2: "Possibly Damaging"; Align-GVGD: "Not Available"). In summary, the available evidence is currently insufficient to determine the role of this variant in disease. Therefore, it has been classified as a Variant of Uncertain Significance.